The following is an entry in ClinVar:

ClinVar aggregate classification (germline): Uncertain significance. Review status: criteria provided, multiple submitters, no conflicts (2 of 4 stars). 3 submissions from 3 submitters: Uncertain significance (3). Last evaluated 2026-02-03.

Conditions:
Familial thoracic aortic aneurysm and aortic dissection (TAAD). Also called: Thoracic aortic aneurysms and dissections. Identifiers: Orphanet 91387, MedGen C4707243, MONDO:0019625.
Marfan syndrome (MFS). Also called: FBN1-Related Marfan Syndrome; MARFAN SYNDROME, TYPE I; Marfan syndrome type 1; Marfan's syndrome; Marfan syndrome, classic. Identifiers: Orphanet 284963, Orphanet 558, MedGen C0024796, MONDO:0007947, OMIM 154700.

Allele frequency attached by ClinVar (database versions not stated): gnomAD exomes below 0.00001.
gnomAD v4.1: 5 of 1,614,162 alleles (0.00031%); highest among the groups gnomAD compares: Non-Finnish European, 0.00042%; no homozygotes.

Submissions (3):

GeneDx
Classification: Uncertain significance. Last evaluated: 2026-02-03. Review status: criteria provided, single submitter. Criteria: GeneDx Variant Classification Process June 2021. Collection method: clinical testing. Allele origin: germline.
Comment: Not observed at significant frequency in large population cohorts (gnomAD); In silico analysis supports that this missense variant has a deleterious effect on protein structure/function; Has not been previously published as pathogenic or benign to our knowledge; Does not affect a cysteine or calcium-binding residue within an EGF-like domain or a TGF-binding protein domain of the FBN1 gene; cysteine substitutions in the EGF-like domains represent the majority of pathogenic missense changes associated with FBN1-related disorders (PMID: 12938084); This variant is associated with the following publications: (PMID: 12938084)

Color Diagnostics, LLC DBA Color Health
Classification: Uncertain significance for Familial thoracic aortic aneurysm and aortic dissection. Last evaluated: 2023-02-15. Review status: criteria provided, single submitter. Criteria: ACMG Guidelines, 2015. Collection method: clinical testing. Allele origin: germline.
Comment: This missense variant replaces aspartic acid with valine at codon 361 of the FBN1 protein. Computational prediction suggests that this variant may have deleterious impact on protein structure and function (internally defined REVEL score threshold >= 0.7, PMID: 27666373). To our knowledge, functional studies have not been reported for this variant. This variant has not been reported in individuals affected with FBN1-related disorders in the literature. This variant has not been identified in the general population by the Genome Aggregation Database (gnomAD). The available evidence is insufficient to determine the role of this variant in disease conclusively. Therefore, this variant is classified as a Variant of Uncertain Significance.

Labcorp Genetics (formerly Invitae), Labcorp
Classification: Uncertain significance for Marfan syndrome; Familial thoracic aortic aneurysm and aortic dissection. Last evaluated: 2020-03-26. Review status: criteria provided, single submitter. Criteria: Invitae Variant Classification Sherloc (09022015). Collection method: clinical testing. Allele origin: germline.
Comment: This sequence change replaces aspartic acid with valine at codon 361 of the FBN1 protein (p.Asp361Val). The aspartic acid residue is highly conserved and there is a large physicochemical difference between aspartic acid and valine. In summary, the available evidence is currently insufficient to determine the role of this variant in disease. Therefore, it has been classified as a Variant of Uncertain Significance. Algorithms developed to predict the effect of missense changes on protein structure and function are either unavailable or do not agree on the potential impact of this missense change (SIFT: "Deleterious"; PolyPhen-2: "Possibly Damaging"; Align-GVGD: "Class C15"). This variant has not been reported in the literature in individuals with FBN1-related conditions. This variant is not present in population databases (ExAC no frequency).

NM_000138.5(FBN1):c.1082A>T (p.Asp361Val)

Genes: FBN1 (fibrillin 1; minus strand), LOC113939944 (Sharpr-MPRA regulatory region 9539; plus strand). Cytogenetic location: 15q21.1.
Variant type: single nucleotide variant.
Coding change: c.1082A>T on transcript NM_000138.5 (MANE Select); coding-DNA position 1082, A replaced by T.
Protein change: p.Asp361Val; replaces aspartic acid 361 with valine.
Molecular consequence: missense variant.
Genome position (GRCh38, 1-based): chr15:48,520,724, T>A on the plus strand (A>T on the coding strand, the complement: FBN1 is on the minus strand). VCF-style: chr15-48520724-T-A. GRCh37 (hg19) VCF-style: chr15-48812921-T-A.
Other names: c.1082A>T (NM_000138.4); short protein forms D361V.
Identifiers: ClinVar variation 1040606 (VCV001040606.11), dbSNP rs2043845991, ClinGen allele CA392347481.